The following is an entry in ClinVar:

NM_000141.5(FGFR2):c.820G>A (p.Val274Ile)

Gene: FGFR2 (fibroblast growth factor receptor 2; minus strand). Cytogenetic location: 10q26.13.
Variant type: single nucleotide variant.
Coding change: c.820G>A on transcript NM_000141.5 (MANE Select); coding-DNA position 820, G replaced by A.
Protein change: p.Val274Ile; replaces valine 274 with isoleucine.
Molecular consequence: missense variant. On other transcripts: non-coding transcript variant (1), intron variant (1).
Genome position (GRCh38, 1-based): chr10:121,520,098, C>T on the plus strand (G>A on the coding strand, the complement: FGFR2 is on the minus strand). VCF-style: chr10-121520098-C-T. GRCh37 (hg19) VCF-style: chr10-123279612-C-T.
Other names: c.820G>A, p.Val274Ile (NM_001144913.1, NM_001144917.2, NM_001320658.2 and 1 more transcripts); c.553G>A, p.Val185Ile (NM_001144915.2, NM_001144919.2, NM_023029.3); c.475G>A, p.Val159Ile (NM_001144916.2, NM_001144918.2); c.136G>A, p.Val46Ile (NM_001320654.2); c.749-4779G>A (NM_001144914.1); short protein forms V159I, V185I, V274I, V46I.
Identifiers: ClinVar variation 3031460 (VCV003031460.4), dbSNP rs1488169619, ClinGen allele CA378330935.

ClinVar aggregate classification (germline): Uncertain significance. Review status: criteria provided, single submitter (1 of 4 stars). 2 submissions from 2 submitters: Uncertain significance (1). 1 of the submissions does not count toward it. Last evaluated 2024-02-02.

Conditions:
FGFR2-related craniosynostosis. Identifiers: MedGen CN231480.
FGFR2-related disorder. Identifiers: MedGen CN380096.

Allele frequency attached by ClinVar (database versions not stated): TOPMed below 0.00001; gnomAD 0.00001; gnomAD exomes 0.00001.
gnomAD v4.1: 10 of 1,614,220 alleles (0.00062%); highest among the groups gnomAD compares: Admixed American, 0.0067%; no homozygotes.

Submissions (2):

Labcorp Genetics (formerly Invitae), Labcorp
Classification: Uncertain significance for FGFR2-related craniosynostosis. Last evaluated: 2024-02-02. Review status: criteria provided, single submitter. Criteria: Invitae Variant Classification Sherloc (09022015). Collection method: clinical testing. Allele origin: germline.
Comment: This sequence change replaces valine, which is neutral and non-polar, with isoleucine, which is neutral and non-polar, at codon 274 of the FGFR2 protein (p.Val274Ile). This variant is present in population databases (no rsID available, gnomAD 0.009%). This variant has not been reported in the literature in individuals affected with FGFR2-related conditions. Advanced modeling of protein sequence and biophysical properties (such as structural, functional, and spatial information, amino acid conservation, physicochemical variation, residue mobility, and thermodynamic stability) performed at Invitae indicates that this missense variant is expected to disrupt FGFR2 protein function with a positive predictive value of 95%. In summary, the available evidence is currently insufficient to determine the role of this variant in disease. Therefore, it has been classified as a Variant of Uncertain Significance.

PreventionGenetics, part of Exact Sciences
Classification: Uncertain significance for FGFR2-related condition. Last evaluated: 2024-01-08. Review status: no assertion criteria provided. Collection method: clinical testing. Allele origin: germline. Not counted in ClinVar's aggregate classification.
Comment: The FGFR2 c.820G>A variant is predicted to result in the amino acid substitution p.Val274Ile. To our knowledge, this variant has not been reported as a germline variant in the literature. This variant is reported in 0.0087% of alleles in individuals of Latino descent in gnomAD. At this time, the clinical significance of this variant is uncertain due to the absence of conclusive functional and genetic evidence.